The following is an entry in ClinVar:

NM_001292063.2(OTOG):c.7633C>T (p.Gln2545Ter)

Gene: OTOG (otogelin; plus strand). Cytogenetic location: 11p15.1.
Variant type: single nucleotide variant.
Coding change: c.7633C>T on transcript NM_001292063.2 (MANE Select); coding-DNA position 7633, C replaced by T.
Protein change: p.Gln2545Ter; replaces glutamine 2545 with a stop codon.
Molecular consequence: nonsense.
Genome position (GRCh38, 1-based): chr11:17,635,127, C>T. VCF-style: chr11-17635127-C-T. GRCh37 (hg19) VCF-style: chr11-17656674-C-T.
Other names: c.7669C>T, p.Gln2557Ter (NM_001277269.2); short protein forms Q2545*, Q2557*.
Identifiers: ClinVar variation 3075849 (VCV003075849.1), dbSNP rs1854232508, ClinGen allele CA379812997.

ClinVar aggregate classification (germline): Likely pathogenic (1 of 4 stars; one submission).

Conditions:
Rare genetic deafness. Identifiers: Orphanet 96210, MedGen C5680250.

gnomAD v4.1: 1 of 1,549,374 alleles (0.000065%); highest among the groups gnomAD compares: Non-Finnish European, 0.000087%; no homozygotes.

Submission:

Laboratory for Molecular Medicine, Mass General Brigham Personalized Medicine
Classification: Likely pathogenic for Rare genetic deafness. Last evaluated: 2022-06-23. Review status: criteria provided, single submitter. Criteria: ACMG Guidelines, 2015. Collection method: clinical testing. Allele origin: germline.
Comment: The p.Gln2557X variant in OTOG has not been previously reported in individuals with nonsyndromic hearing loss and was absent from large population studies. This nonsense variant leads to a premature termination codon at position 2557, which is predicted to lead to a truncated or absent protein. Loss of function of the OTOG gene is an established disease mechanism in autosomal recessive nonsyndromic hearing loss. In summary, although additional studies are required to fully establish its clinical significance, this variant meets criteria to be classified as likely pathogenic for autosomal recessive nonsyndromic hearing loss. ACMG/AMP criteria applied: PVS1, PM2_Supporting.